The following is an entry in ClinVar:

ClinVar aggregate classification (germline): not provided (0 of 4 stars; one submission).

Conditions:
Gestational diabetes mellitus uncontrolled. Identifiers: MedGen C3532257.

Submission:

Institute of Molecular and Cell Biology, University of Tartu
No classification provided. Condition: Gestational diabetes mellitus uncontrolled. Review status: no classification provided. Collection method: case-control. Allele origin: unknown. Affected: yes. Study: Kasak2014.
Comment: The study aimed to determine the contribution of copy number variants in the genetic etiology of normal and complicated pregnancies. The samples represented (i) maternal blood DNA drawn from healthy pregnant women during 1st or 2nd trimester and (ii) maternal and paternal blood DNA drawn at term pregnancy cases representing normal and complicated gestations (severe preeclampsia, PE; gestational diabetes, GD; small-for-gestational age newborn, SGA; large-for-gestational age newborn, LGA). We performed CNV calling based on genome-wide genotyping dataset (Illumina HumanOmniExpress-24-v1 BeadChip) by applying three algorithms, QuantiSNP, GADA (Genome Alteration Detection Algorithm) and CNstream in parallel. The acquired CNV calls were merged with HD-CNV (Hotspot Detector for Copy Number Variants) program and only the CNVs predicted by at least two programs, were considered in subsequent analysis.

Literature cited by the submitters: PubMed 25666259.

NC_000003.12:g.28769097_28774591del

Variant type: Deletion.
Genome position: GRCh38: chr3:28,769,097-28,774,591. GRCh37 (hg19): chr3:28,810,588-28,816,082.
Identifiers: ClinVar variation 156844 (VCV000156844.3), ClinGen allele CA212027.